The following is an entry in ClinVar:

NM_001377299.1(NDUFS2):c.413G>A (p.Arg138Gln)

Gene: NDUFS2 (NADH:ubiquinone oxidoreductase core subunit S2; plus strand). Cytogenetic location: 1q23.3.
Variant type: single nucleotide variant.
Coding change: c.413G>A on transcript NM_001377299.1 (MANE Select); coding-DNA position 413, G replaced by A.
Protein change: p.Arg138Gln; replaces arginine 138 with glutamine.
Molecular consequence: missense variant. On other transcripts: non-coding transcript variant (1).
Genome position (GRCh38, 1-based): chr1:161,209,212, G>A. VCF-style: chr1-161209212-G-A. GRCh37 (hg19) VCF-style: chr1-161179002-G-A.
Other names: c.413G>A, p.Arg138Gln (NM_001166159.2, NM_001377298.1, NM_001377300.1 and 4 more transcripts); short protein forms R138Q.
Identifiers: ClinVar variation 2202876 (VCV002202876.4), dbSNP rs1306101550, ClinGen allele CA343379083.

ClinVar aggregate classification (germline): Uncertain significance (1 of 4 stars; one submission).

Allele frequency attached by ClinVar (database versions not stated): gnomAD exomes below 0.00001.

Submission:

Labcorp Genetics (formerly Invitae), Labcorp
Classification: Uncertain significance. Last evaluated: 2022-07-12. Review status: criteria provided, single submitter. Criteria: Invitae Variant Classification Sherloc (09022015). Collection method: clinical testing. Allele origin: germline.
Comment: In summary, the available evidence is currently insufficient to determine the role of this variant in disease. Therefore, it has been classified as a Variant of Uncertain Significance. Algorithms developed to predict the effect of sequence changes on RNA splicing suggest that this variant may create or strengthen a splice site. Algorithms developed to predict the effect of missense changes on protein structure and function (SIFT, PolyPhen-2, Align-GVGD) all suggest that this variant is likely to be disruptive. This missense change has been observed in individual(s) with mitochondrial complex I deficiency (PMID: 20819849). This variant is present in population databases (no rsID available, gnomAD 0.003%). This sequence change replaces arginine, which is basic and polar, with glutamine, which is neutral and polar, at codon 138 of the NDUFS2 protein (p.Arg138Gln).

Literature cited by the submitters: PubMed 20819849.